The following is an entry in ClinVar:

ClinVar aggregate classification (germline): Conflicting classifications of pathogenicity. Review status: criteria provided, conflicting classifications (1 of 4 stars). 3 submissions from 3 submitters: Uncertain significance (1); Likely benign (1). 1 of the submissions does not count toward it. Last evaluated 2025-09-03.

Conditions:
KRT16-related disorder. Also called: KRT16-related condition.
Inborn genetic diseases. Identifiers: MedGen C0950123, MeSH D030342.

Allele frequency attached by ClinVar (database versions not stated): ExAC 0.00012; 1000 Genomes Project 30x 0.00031; 1000 Genomes Project 0.00040; gnomAD 0.00054; ESP Exome Variant Server 0.00077.

Submissions (3):

Labcorp Genetics (formerly Invitae), Labcorp
Classification: Likely benign. Last evaluated: 2025-09-03. Review status: criteria provided, single submitter. Criteria: Invitae Variant Classification Sherloc (09022015). Collection method: clinical testing. Allele origin: germline.

Ambry Genetics
Classification: Uncertain significance for Inborn genetic diseases. Last evaluated: 2021-10-20. Review status: criteria provided, single submitter. Criteria: Ambry Variant Classification Scheme 2023. Collection method: clinical testing. Allele origin: germline.

PreventionGenetics, part of Exact Sciences
Classification: Likely benign for KRT16-related condition. Last evaluated: 2019-07-11. Review status: no assertion criteria provided. Collection method: clinical testing. Allele origin: germline. Not counted in ClinVar's aggregate classification.
Comment: This variant is classified as likely benign based on ACMG/AMP sequence variant interpretation guidelines (Richards et al. 2015 PMID: 25741868, with internal and published modifications).

NM_005557.4(KRT16):c.415G>C (p.Glu139Gln)

Gene: KRT16 (keratin 16; minus strand). Cytogenetic location: 17q21.2.
Variant type: single nucleotide variant.
Coding change: c.415G>C on transcript NM_005557.4 (MANE Select); coding-DNA position 415, G replaced by C.
Protein change: p.Glu139Gln; replaces glutamic acid 139 with glutamine.
Molecular consequence: missense variant.
Genome position (GRCh38, 1-based): chr17:41,612,274, C>G on the plus strand (G>C on the coding strand, the complement: KRT16 is on the minus strand). VCF-style: chr17-41612274-C-G. GRCh37 (hg19) VCF-style: chr17-39768526-C-G.
Other names: short protein forms E139Q.
Identifiers: ClinVar variation 3050101 (VCV003050101.4), dbSNP rs139974035, ClinGen allele CA8563277.
Genomic context (GRCh38, chr17:41,612,274, plus strand): 5'-TGGGCCGCTGCCTCTGGTACCAGTCACGGATCTTCACTTCCAGGTCGGCGTTGGCCTCCT[C>G]CAGAGCACGCACCTTGTCCAGGTAGGAGGCCAGGCGGTCATTGAGGTTCTGCATGGTCAC-3'
Protein context (NP_005548.2, residues 129-149): ASYLDKVRAL[Glu139Gln]EANADLEVKI